The following is an entry in ClinVar:

NM_000090.4(COL3A1):c.2022+5T>C

Gene: COL3A1 (collagen type III alpha 1 chain; plus strand). Cytogenetic location: 2q32.2.
Variant type: single nucleotide variant.
Coding change: c.2022+5T>C on transcript NM_000090.4 (MANE Select); 5 bases into the intron after coding-DNA position 2022, T replaced by C.
Molecular consequence: intron variant.
Genome position (GRCh38, 1-based): chr2:188,998,723, T>C. VCF-style: chr2-188998723-T-C. GRCh37 (hg19) VCF-style: chr2-189863449-T-C.
Identifiers: ClinVar variation 199697 (VCV000199697.92), dbSNP rs41263765, ClinGen allele CA004875.

ClinVar aggregate classification (germline): Benign/Likely benign. Review status: criteria provided, multiple submitters, no conflicts (2 of 4 stars). 15 submissions from 15 submitters: Benign (11); Likely benign (2). 2 of the submissions do not count toward it. Last evaluated 2026-08-01.

Conditions:
Ehlers-Danlos syndrome (EDS). Identifiers: Orphanet 98249, MedGen C0013720, MONDO:0020066.
Familial thoracic aortic aneurysm and aortic dissection (TAAD). Also called: Thoracic aortic aneurysms and dissections. Identifiers: Orphanet 91387, MedGen C4707243, MONDO:0019625.
Ehlers-Danlos syndrome, type 4 (EDSVASC). Also called: Ehlers-Danlos syndrome vascular type; Ehlers Danlos syndrome, ecchymotic type; Ehlers Danlos syndrome, arterial type; Ehlers Danlos syndrome, Sack-Barabas type; Ehlers-Danlos Syndrome Type IV. Identifiers: Orphanet 286, MedGen C0268338, MONDO:0017314, OMIM 130050.

Allele frequency attached by ClinVar (database versions not stated): gnomAD exomes 0.00038 and 0.00099; ExAC 0.00130; 1000 Genomes Project 30x 0.00359; 1000 Genomes Project 0.00379; gnomAD 0.00417 and 0.00448; ESP Exome Variant Server 0.00507; TOPMed 0.00529.
gnomAD v4.1: 1,226 of 1,613,238 alleles (0.076%); highest among the groups gnomAD compares: African/African-American, 1.4%; 6 homozygotes.

Submissions (15):

CeGaT Center for Human Genetics Tuebingen
Classification: Likely benign. Last evaluated: 2026-08-01. Review status: criteria provided, single submitter. Criteria: CeGaT Center For Human Genetics Tuebingen Variant Classification Criteria Version 2. Collection method: clinical testing. Allele origin: germline. Affected: yes. Observed: 6 variant alleles.
Comment: COL3A1: BS1

Labcorp Genetics (formerly Invitae), Labcorp
Classification: Benign for Ehlers-Danlos syndrome, type 4. Last evaluated: 2026-02-03. Review status: criteria provided, single submitter. Criteria: Invitae Variant Classification Sherloc (09022015). Collection method: clinical testing. Allele origin: germline.

Blueprint Genetics
Classification: Likely benign. Last evaluated: 2024-11-06. Review status: criteria provided, single submitter. Criteria: ACMG Guidelines, 2015. Collection method: clinical testing. Allele origin: germline.

ARUP Laboratories, Molecular Genetics and Genomics, ARUP Laboratories
Classification: Benign. Last evaluated: 2024-02-16. Review status: criteria provided, single submitter. Criteria: ARUP Molecular Germline Variant Investigation Process 2024. Collection method: clinical testing. Allele origin: germline.

Genome Diagnostics Laboratory, The Hospital for Sick Children
Classification: Benign for Ehlers-Danlos syndrome. Last evaluated: 2020-06-01. Review status: criteria provided, single submitter. Criteria: ACMG Guidelines, 2015. Collection method: clinical testing. Allele origin: germline.

Genetic Services Laboratory, University of Chicago
Classification: Benign. Last evaluated: 2019-07-22. Review status: criteria provided, single submitter. Criteria: ACMG Guidelines, 2015. Collection method: clinical testing. Allele origin: germline. Affected: no.

Color Diagnostics, LLC DBA Color Health
Classification: Benign for Familial thoracic aortic aneurysm and aortic dissection. Last evaluated: 2018-09-29. Review status: criteria provided, single submitter. Criteria: ACMG Guidelines, 2015. Collection method: clinical testing. Allele origin: germline.

Illumina Laboratory Services, Illumina
Classification: Benign for Ehlers-Danlos syndrome, type 4. Last evaluated: 2018-01-12. Review status: criteria provided, single submitter. Criteria: ICSL Variant Classification Criteria 13 December 2019. Collection method: clinical testing. Allele origin: germline.
Comment: This variant was observed in the ICSL laboratory as part of a predisposition screen in an ostensibly healthy population. It had not been previously curated by ICSL or reported in the Human Gene Mutation Database (HGMD: prior to June 1st, 2018), and was therefore a candidate for classification through an automated scoring system. Utilizing variant allele frequency, disease prevalence and penetrance estimates, and inheritance mode, an automated score was calculated to assess if this variant is too frequent to cause the disease. Based on the score and internal cut-off values, a variant classified as benign is not then subjected to further curation. The score for this variant resulted in a classification of benign for this disease.

CHEO Genetics Diagnostic Laboratory, Children's Hospital of Eastern Ontario
Classification: Benign for Familial thoracic aortic aneurysm and aortic dissection. Last evaluated: 2016-06-24. Review status: criteria provided, single submitter. Criteria: ACMG Guidelines, 2015. Collection method: clinical testing. Allele origin: germline. Study: Canadian Open Genetics Repository.

GeneDx
Classification: Benign. Last evaluated: 2014-10-20. Review status: criteria provided, single submitter. Criteria: GeneDx Variant Classification (06012015). Collection method: clinical testing. Allele origin: germline. Affected: yes.
Comment: This variant is considered likely benign or benign based on one or more of the following criteria: it is a conservative change, it occurs at a poorly conserved position in the protein, it is predicted to be benign by multiple in silico algorithms, and/or has population frequency not consistent with disease.

Ambry Genetics
Classification: Benign for Familial thoracic aortic aneurysm and aortic dissection. Last evaluated: 2014-06-03. Review status: criteria provided, single submitter. Criteria: Ambry Variant Classification Scheme 2023. Collection method: clinical testing. Allele origin: germline.

Mayo Clinic Laboratories, Mayo Clinic
Classification: Benign. Last evaluated: 2014-01-31. Review status: criteria provided, single submitter. Criteria: ACMG Guidelines, 2015. Collection method: clinical testing. Allele origin: germline. Observed: 10 variant alleles.

PreventionGenetics, part of Exact Sciences
Classification: Benign. Review status: criteria provided, single submitter. Criteria: ACMG Guidelines, 2015. Collection method: clinical testing. Allele origin: germline.

Genome Diagnostics Laboratory, Amsterdam University Medical Center
Classification: Benign. Review status: no assertion criteria provided. Collection method: clinical testing. Allele origin: germline. Affected: yes. Study: VKGL Data-share Consensus. Not counted in ClinVar's aggregate classification.

Genome Diagnostics Laboratory, University Medical Center Utrecht
Classification: Benign. Review status: no assertion criteria provided. Collection method: clinical testing. Allele origin: germline. Affected: yes. Study: VKGL Data-share Consensus. Not counted in ClinVar's aggregate classification.